The following is an entry in ClinVar:

ClinVar aggregate classification (germline): Conflicting classifications of pathogenicity. Review status: criteria provided, conflicting classifications (1 of 4 stars). 3 submissions from 3 submitters: Likely pathogenic (1); Uncertain significance (1). 1 of the submissions does not count toward it. Last evaluated 2024-05-31.

Conditions:
PKD1-related disorder. Also called: PKD1-related condition.
Polycystic kidney disease, adult type (PKD1). Also called: Polycystic Kidney, Autosomal Dominant; POLYCYSTIC KIDNEY DISEASE 1 WITH OR WITHOUT POLYCYSTIC LIVER DISEASE; POLYCYSTIC KIDNEY DISEASE, ADULT, TYPE I; Polycystic Kidney Disease 1, Autosomal Dominant; Polycystic kidney disease 1; Polycystic kidney disease 1, severe. Identifiers: MedGen C3149841, MONDO:0008263, OMIM 173900.

Submissions (3):

Fulgent Genetics
Classification: Likely pathogenic for Polycystic kidney disease, adult type. Last evaluated: 2024-05-31. Review status: criteria provided, single submitter. Criteria: ACMG Guidelines, 2015. Collection method: clinical testing. Allele origin: germline.

3billion
Classification: Uncertain significance for Polycystic kidney disease, adult type. Last evaluated: 2023-09-18. Review status: criteria provided, single submitter. Criteria: ACMG Guidelines, 2015. Collection method: clinical testing. Allele origin: germline. Affected: yes.
Comment: The variant is not observed in the gnomAD v2.1.1 dataset. Predicted Consequence/Location: Missense variant Same nucleotide change resulting in same amino acid change has been previously reported to be associated with PKD1-related disorder (PMID: 31740684). The variant has been observed in at least two similarly affected unrelated individuals (PMID: 31740684). However, the evidence of pathogenicity is insufficient at this time. Therefore, this variant is classified as VUS according to the recommendation of ACMG/AMP guideline.

PreventionGenetics, part of Exact Sciences
Classification: Uncertain significance for PKD1-related condition. Last evaluated: 2024-07-18. Review status: no assertion criteria provided. Collection method: clinical testing. Allele origin: germline. Not counted in ClinVar's aggregate classification.
Comment: The PKD1 c.1391T>C variant is predicted to result in the amino acid substitution p.Leu464Pro. This variant has been reported in two families undergoing genetic testing for autosomal dominant polycystic kidney disease by targeted exome sequencing (Table S6C, Family ID 41 and 306, Kim et al 2019. PubMed ID: 31740684). This variant has not been reported in a large population database, indicating this variant is rare. Although we suspect that this variant may be pathogenic, at this time, the clinical significance of this variant is uncertain due to the absence of conclusive functional and genetic evidence.

Literature cited by the submitters: PubMed 31740684 (cited by 3billion).

NM_001009944.3(PKD1):c.1391T>C (p.Leu464Pro)

Gene: PKD1 (polycystin 1, transient receptor potential channel interacting; minus strand). Cytogenetic location: 16p13.3.
Variant type: single nucleotide variant.
Coding change: c.1391T>C on transcript NM_001009944.3 (MANE Select); coding-DNA position 1391, T replaced by C.
Protein change: p.Leu464Pro; replaces leucine 464 with proline.
Molecular consequence: missense variant.
Genome position (GRCh38, 1-based): chr16:2,117,048, A>G on the plus strand (T>C on the coding strand, the complement: PKD1 is on the minus strand). VCF-style: chr16-2117048-A-G. GRCh37 (hg19) VCF-style: chr16-2167049-A-G.
Other names: c.1391T>C, p.Leu464Pro (NM_000296.4); short protein forms L464P.
Identifiers: ClinVar variation 3353220 (VCV003353220.3).